The following is an entry in ClinVar:

ClinVar aggregate classification (germline): Uncertain significance (1 of 4 stars; one submission).

Conditions:
Severe early-onset pulmonary alveolar proteinosis due to MARS deficiency. Also called: PULMONARY ALVEOLAR PROTEINOSIS, REUNION ISLAND; Interstitial lung and liver disease. Identifiers: Orphanet 440427, MedGen C4225400, MONDO:0014206, OMIM 615486.
Charcot-Marie-Tooth disease axonal type 2U. Also called: CHARCOT-MARIE-TOOTH NEUROPATHY, TYPE 2U; CHARCOT-MARIE-TOOTH DISEASE, AXONAL, AUTOSOMAL DOMINANT, TYPE 2U. Identifiers: Orphanet 397735, MedGen C4084821, MONDO:0014566, OMIM 616280.

Submission:

Labcorp Genetics (formerly Invitae), Labcorp
Classification: Uncertain significance for Charcot-Marie-Tooth disease axonal type 2U; Severe early-onset pulmonary alveolar proteinosis due to MARS deficiency. Last evaluated: 2025-11-01. Review status: criteria provided, single submitter. Criteria: Invitae Variant Classification Sherloc (09022015). Collection method: clinical testing. Allele origin: germline.
Comment: This sequence change replaces alanine, which is neutral and non-polar, with valine, which is neutral and non-polar, at codon 185 of the MARS protein (p.Ala185Val). This variant is not present in population databases (gnomAD no frequency). This variant has not been reported in the literature in individuals affected with MARS-related conditions. An algorithm developed to predict the effect of missense changes on protein structure and function (PolyPhen-2) suggests that this variant is likely to be tolerated. In summary, the available evidence is currently insufficient to determine the role of this variant in disease. Therefore, it has been classified as a Variant of Uncertain Significance.

NM_004990.4(MARS1):c.554C>T (p.Ala185Val)

Gene: MARS1 (methionyl-tRNA synthetase 1; plus strand). Cytogenetic location: 12q13.3.
Variant type: single nucleotide variant.
Coding change: c.554C>T on transcript NM_004990.4 (MANE Select); coding-DNA position 554, C replaced by T.
Protein change: p.Ala185Val; replaces alanine 185 with valine.
Molecular consequence: missense variant.
Genome position (GRCh38, 1-based): chr12:57,490,270, C>T. VCF-style: chr12-57490270-C-T. GRCh37 (hg19) VCF-style: chr12-57884053-C-T.
Other names: short protein forms A185V.
Identifiers: ClinVar variation 4789228 (VCV004789228.1).